The following is an entry in ClinVar:

ClinVar aggregate classification (germline): Uncertain significance (1 of 4 stars; one submission).

Allele frequency attached by ClinVar (database versions not stated): gnomAD exomes below 0.00001; ExAC 0.00001.
gnomAD v4.1: 5 of 1,612,820 alleles (0.00031%); highest among the groups gnomAD compares: South Asian, 0.0011%; no homozygotes.

Submission:

Labcorp Genetics (formerly Invitae), Labcorp
Classification: Uncertain significance. Last evaluated: 2022-06-20. Review status: criteria provided, single submitter. Criteria: Invitae Variant Classification Sherloc (09022015). Collection method: clinical testing. Allele origin: germline.
Comment: The frequency data for this variant in the population databases is considered unreliable, as metrics indicate poor data quality at this position in the gnomAD database. This sequence change replaces alanine, which is neutral and non-polar, with valine, which is neutral and non-polar, at codon 666 of the TTBK2 protein (p.Ala666Val). This variant has not been reported in the literature in individuals affected with TTBK2-related conditions. In summary, the available evidence is currently insufficient to determine the role of this variant in disease. Therefore, it has been classified as a Variant of Uncertain Significance. Algorithms developed to predict the effect of missense changes on protein structure and function (SIFT, PolyPhen-2, Align-GVGD) all suggest that this variant is likely to be tolerated.

NM_173500.4(TTBK2):c.1997C>T (p.Ala666Val)

Gene: TTBK2 (tau tubulin kinase 2; minus strand). Cytogenetic location: 15q15.2.
Variant type: single nucleotide variant.
Coding change: c.1997C>T on transcript NM_173500.4 (MANE Select); coding-DNA position 1997, C replaced by T.
Protein change: p.Ala666Val; replaces alanine 666 with valine.
Molecular consequence: missense variant.
Genome position (GRCh38, 1-based): chr15:42,775,136, G>A on the plus strand (C>T on the coding strand, the complement: TTBK2 is on the minus strand). VCF-style: chr15-42775136-G-A. GRCh37 (hg19) VCF-style: chr15-43067334-G-A.
Other names: short protein forms A666V.
Identifiers: ClinVar variation 1980464 (VCV001980464.4), dbSNP rs774402166, ClinGen allele CA7516807.